The following is an entry in ClinVar:

NM_005334.3(HCFC1):c.4417A>G (p.Thr1473Ala)

Genes: HCFC1 (host cell factor C1; minus strand), LOC130068842 (ATAC-STARR-seq lymphoblastoid active region 30044; plus strand). Cytogenetic location: Xq28.
Variant type: single nucleotide variant.
Coding change: c.4417A>G on transcript NM_005334.3 (MANE Select); coding-DNA position 4417, A replaced by G.
Protein change: p.Thr1473Ala; replaces threonine 1473 with alanine.
Molecular consequence: missense variant.
Genome position (GRCh38, 1-based): chrX:153,953,687, T>C on the plus strand (A>G on the coding strand, the complement: HCFC1 is on the minus strand). VCF-style: chrX-153953687-T-C. GRCh37 (hg19) VCF-style: chrX-153219138-T-C.
Other names: short protein forms T1473A.
Identifiers: ClinVar variation 1428580 (VCV001428580.5), dbSNP rs201714172, ClinGen allele CA10556998.

ClinVar aggregate classification (germline): Uncertain significance (1 of 4 stars; one submission).

Conditions:
Methylmalonic acidemia with homocystinuria, type cblX (MAHCX). Also called: INTELLECTUAL DEVELOPMENTAL DISORDER, X-LINKED 3. Identifiers: Orphanet 369962, MedGen C0796208, MONDO:0010657, OMIM 309541.

Allele frequency attached by ClinVar (database versions not stated): gnomAD exomes 0.00002 and 0.00003; ExAC 0.00005; ESP Exome Variant Server 0.00010; gnomAD 0.00017; TOPMed 0.00055; 1000 Genomes Project 0.00079; 1000 Genomes Project 30x 0.00104.
gnomAD v4.1: 46 of 1,208,745 alleles (0.0038%); highest among the groups gnomAD compares: Admixed American, 0.07%; 2 homozygotes.

Submission:

Labcorp Genetics (formerly Invitae), Labcorp
Classification: Uncertain significance for Methylmalonic acidemia with homocystinuria, type cblX. Last evaluated: 2025-10-15. Review status: criteria provided, single submitter. Criteria: Invitae Variant Classification Sherloc (09022015). Collection method: clinical testing. Allele origin: germline.
Comment: This sequence change replaces threonine, which is neutral and polar, with alanine, which is neutral and non-polar, at codon 1473 of the HCFC1 protein (p.Thr1473Ala). This variant is present in population databases (rs201714172, gnomAD 0.01%). This variant has not been reported in the literature in individuals affected with HCFC1-related conditions. ClinVar contains an entry for this variant (Variation ID: 1428580). An algorithm developed to predict the effect of missense changes on protein structure and function outputs the following: PolyPhen-2: "Possibly Damaging". The alanine amino acid residue is found in multiple mammalian species, which suggests that this missense change does not adversely affect protein function. In summary, the available evidence is currently insufficient to determine the role of this variant in disease. Therefore, it has been classified as a Variant of Uncertain Significance.